The following is an entry in ClinVar:

NM_007118.4(TRIO):c.2115C>T (p.Ala705=)

Gene: TRIO (trio Rho guanine nucleotide exchange factor; plus strand). Cytogenetic location: 5p15.2.
Variant type: single nucleotide variant.
Coding change: c.2115C>T on transcript NM_007118.4 (MANE Select); coding-DNA position 2115, C replaced by T.
Protein change: p.Ala705=; no amino-acid change (alanine 705 retained).
Molecular consequence: synonymous variant. On other transcripts: non-coding transcript variant (1).
Genome position (GRCh38, 1-based): chr5:14,358,246, C>T. VCF-style: chr5-14358246-C-T. GRCh37 (hg19) VCF-style: chr5-14358355-C-T.
Identifiers: ClinVar variation 4822377 (VCV004822377.4).

ClinVar aggregate classification (germline): Likely benign (1 of 4 stars; one submission).

gnomAD v4.1: 19 of 1,614,164 alleles (0.0012%); highest among the groups gnomAD compares: Middle Eastern, 0.016%; 1 homozygote.

Submission:

CeGaT Center for Human Genetics Tuebingen
Classification: Likely benign. Last evaluated: 2026-03-01. Review status: criteria provided, single submitter. Criteria: CeGaT Center For Human Genetics Tuebingen Variant Classification Criteria Version 2. Collection method: clinical testing. Allele origin: germline. Affected: yes. Observed: 1 variant allele.
Comment: TRIO: BP4, BP7